The following is an entry in ClinVar:

ClinVar aggregate classification (germline): Uncertain significance. Review status: criteria provided, multiple submitters, no conflicts (2 of 4 stars). 2 submissions from 2 submitters: Uncertain significance (2). Last evaluated 2026-03-19.

Conditions:
Cardiovascular phenotype. Identifiers: MedGen CN230736.

gnomAD v4.1: 1 of 1,587,688 alleles (0.000063%); highest among the groups gnomAD compares: Non-Finnish European, 0.000086%; no homozygotes.

Submissions (2):

Ambry Genetics
Classification: Uncertain significance for Cardiovascular phenotype. Last evaluated: 2026-03-19. Review status: criteria provided, single submitter. Criteria: Ambry Variant Classification Scheme 2023. Collection method: clinical testing. Allele origin: germline.

Labcorp Genetics (formerly Invitae), Labcorp
Classification: Uncertain significance. Last evaluated: 2022-04-06. Review status: criteria provided, single submitter. Criteria: Invitae Variant Classification Sherloc (09022015). Collection method: clinical testing. Allele origin: germline.
Comment: This sequence change replaces alanine, which is neutral and non-polar, with proline, which is neutral and non-polar, at codon 1137 of the ALPK3 protein (p.Ala1137Pro). This variant is not present in population databases (gnomAD no frequency). This variant has not been reported in the literature in individuals affected with ALPK3-related conditions. Algorithms developed to predict the effect of missense changes on protein structure and function (SIFT, PolyPhen-2, Align-GVGD) all suggest that this variant is likely to be tolerated. In summary, the available evidence is currently insufficient to determine the role of this variant in disease. Therefore, it has been classified as a Variant of Uncertain Significance.

NM_020778.5(ALPK3):c.2803G>C (p.Ala935Pro)

Gene: ALPK3 (alpha kinase 3; plus strand). Cytogenetic location: 15q25.3.
Variant type: single nucleotide variant.
Coding change: c.2803G>C on transcript NM_020778.5 (MANE Select); coding-DNA position 2803, G replaced by C.
Protein change: p.Ala935Pro; replaces alanine 935 with proline.
Molecular consequence: missense variant.
Genome position (GRCh38, 1-based): chr15:84,857,541, G>C. VCF-style: chr15-84857541-G-C. GRCh37 (hg19) VCF-style: chr15-85400772-G-C.
Other names: c.3409G>C (NM_020778.4); short protein forms A935P.
Identifiers: ClinVar variation 1991720 (VCV001991720.6), dbSNP rs1192258761, ClinGen allele CA393358430.